The following is an entry in ClinVar:

ClinVar aggregate classification (germline): Likely pathogenic (1 of 4 stars; one submission).

Conditions:
Beta-D-mannosidosis (MANSB). Also called: MANNOSIDOSIS, BETA A, LYSOSOMAL; BETA-MANNOSIDASE DEFICIENCY; LYSOSOMAL BETA-MANNOSIDASE DEFICIENCY; Beta-Mannosidosis. Identifiers: Orphanet 118, MedGen C4048196, MONDO:0009562, OMIM 248510.

Submission:

Women's Health and Genetics/Laboratory Corporation of America, LabCorp
Classification: Likely pathogenic for Beta-D-mannosidosis. Last evaluated: 2022-03-04. Review status: criteria provided, single submitter. Criteria: LabCorp Variant Classification Summary - May 2015. Collection method: clinical testing. Allele origin: germline.
Comment: Variant summary: The variant identified by MLPA or other technology involves the deletion of exons 3-4 in the MANBA gene. A presumed nomenclature of c.(272+1_273-1)_(549+1_550-1)del has been designated for the purposes of this classification. Although exact breakpoints of this deletion are not known, it is expected to result in a frameshift deletion change in the MANBA gene, a known mechanism of disease. The variant was absent in 20454 control chromosomes (gnomAD, Structural Variants dataset). To our knowledge, no occurrence of c.(272+1_273-1)_(549+1_550-1)del in individuals affected with Beta-Mannosidosis and no experimental evidence demonstrating its impact on protein function have been reported. No clinical diagnostic laboratories have submitted clinical-significance assessments for this variant to ClinVar after 2014. Based on the evidence outlined above, the variant was classified as likely pathogenic.

NC_000004.11:g.(103635719_103644027)_(103645125_103647745)del

Gene: MANBA (mannosidase beta; minus strand). Cytogenetic location: 4q24.
Variant type: Deletion.
Identifiers: ClinVar variation 1677012 (VCV001677012.1).